The following is an entry in ClinVar:

NM_004380.3(CREBBP):c.1188G>A (p.Thr396=)

Gene: CREBBP (CREB binding lysine acetyltransferase; minus strand). Cytogenetic location: 16p13.3.
Variant type: single nucleotide variant.
Coding change: c.1188G>A on transcript NM_004380.3 (MANE Select); coding-DNA position 1188, G replaced by A.
Protein change: p.Thr396=; no amino-acid change (threonine 396 retained).
Molecular consequence: synonymous variant.
Genome position (GRCh38, 1-based): chr16:3,793,414, C>T on the plus strand (G>A on the coding strand, the complement: CREBBP is on the minus strand). VCF-style: chr16-3793414-C-T. GRCh37 (hg19) VCF-style: chr16-3843415-C-T.
Other names: c.1188G>A, p.Thr396= (NM_001079846.1); c.1188G>A (NM_004380.2).
Identifiers: ClinVar variation 2181004 (VCV002181004.5), dbSNP rs750507234, ClinGen allele CA276986521.

ClinVar aggregate classification (germline): Likely benign. Review status: criteria provided, single submitter (1 of 4 stars). 2 submissions from 2 submitters: Likely benign (1). 1 of the submissions does not count toward it. Last evaluated 2022-03-20.

Conditions:
CREBBP-related disorder. Also called: CREBBP-related condition; CREBBP-related disorders.
Rubinstein-Taybi syndrome (RSTS). Identifiers: Orphanet 783, MedGen C0035934, MONDO:0019188.

Allele frequency attached by ClinVar (database versions not stated): TOPMed 0.00001; gnomAD 0.00002.
gnomAD v4.1: 9 of 1,613,956 alleles (0.00056%); highest among the groups gnomAD compares: African/African-American, 0.0053%; no homozygotes.

Submissions (2):

Labcorp Genetics (formerly Invitae), Labcorp
Classification: Likely benign for Rubinstein-Taybi syndrome. Last evaluated: 2022-03-20. Review status: criteria provided, single submitter. Criteria: Invitae Variant Classification Sherloc (09022015). Collection method: clinical testing. Allele origin: germline.

PreventionGenetics, part of Exact Sciences
Classification: Likely benign for CREBBP-related condition. Last evaluated: 2022-12-21. Review status: no assertion criteria provided. Collection method: clinical testing. Allele origin: germline. Not counted in ClinVar's aggregate classification.
Comment: This variant is classified as likely benign based on ACMG/AMP sequence variant interpretation guidelines (Richards et al. 2015 PMID: 25741868, with internal and published modifications).